The following is an entry in ClinVar:

NM_130384.3(ATRIP):c.1832C>G (p.Ser611Cys)

Genes: ATRIP (ATR interacting protein; plus strand), ATRIP-TREX1 (ATRIP-TREX1 readthrough; plus strand). Cytogenetic location: 3p21.31.
Variant type: single nucleotide variant.
Coding change: c.1832C>G on transcript NM_130384.3 (MANE Select); coding-DNA position 1832, C replaced by G.
Protein change: p.Ser611Cys; replaces serine 611 with cysteine.
Molecular consequence: missense variant. On other transcripts: non-coding transcript variant (1).
Genome position (GRCh38, 1-based): chr3:48,463,831, C>G. VCF-style: chr3-48463831-C-G. GRCh37 (hg19) VCF-style: chr3-48505230-C-G.
Other names: c.1451C>G, p.Ser484Cys (NM_001271022.2); c.1553C>G, p.Ser518Cys (NM_001271023.2); c.1832C>G, p.Ser611Cys (NM_032166.4); short protein forms S484C, S518C, S611C.
Identifiers: ClinVar variation 3976989 (VCV003976989.1).

ClinVar aggregate classification (germline): Uncertain significance (1 of 4 stars; one submission).

Submission:

Ambry Genetics
Classification: Uncertain significance. Last evaluated: 2025-06-02. Review status: criteria provided, single submitter. Criteria: Ambry Variant Classification Scheme 2023. Collection method: clinical testing. Allele origin: germline.
Comment: The p.S611C variant (also known as c.1832C>G), located in coding exon 9 of the ATRIP gene, results from a C to G substitution at nucleotide position 1832. The serine at codon 611 is replaced by cysteine, an amino acid with dissimilar properties. This amino acid position is conserved. In addition, this alteration is predicted to be tolerated by in silico analysis. Based on the available evidence, the clinical significance of this variant remains unclear.